The following is an entry in ClinVar:

ClinVar aggregate classification (germline): Likely benign. Review status: criteria provided, single submitter (1 of 4 stars). 2 submissions from 2 submitters: Likely benign (1). 1 of the submissions does not count toward it. Last evaluated 2025-10-18.

Conditions:
Nephronophthisis 15 (NPHP15). Identifiers: Orphanet 3156, MedGen C3541853, MONDO:0013917, OMIM 614845.
CEP164-related disorder. Also called: CEP164-related condition.

Submissions (2):

Labcorp Genetics (formerly Invitae), Labcorp
Classification: Likely benign for Nephronophthisis 15. Last evaluated: 2025-10-18. Review status: criteria provided, single submitter. Criteria: Invitae Variant Classification Sherloc (09022015). Collection method: clinical testing. Allele origin: germline.

PreventionGenetics, part of Exact Sciences
Classification: Likely benign for CEP164-related condition. Last evaluated: 2024-08-12. Review status: no assertion criteria provided. Collection method: clinical testing. Allele origin: germline. Not counted in ClinVar's aggregate classification.
Comment: This variant is classified as likely benign based on ACMG/AMP sequence variant interpretation guidelines (Richards et al. 2015 PMID: 25741868, with internal and published modifications).

NM_014956.5(CEP164):c.4299G>C (p.Ser1433=)

Gene: CEP164 (centrosomal protein 164; plus strand). Cytogenetic location: 11q23.3.
Variant type: single nucleotide variant.
Coding change: c.4299G>C on transcript NM_014956.5 (MANE Select); coding-DNA position 4299, G replaced by C.
Protein change: p.Ser1433=; no amino-acid change (serine 1433 retained).
Molecular consequence: synonymous variant.
Genome position (GRCh38, 1-based): chr11:117,412,084, G>C. VCF-style: chr11-117412084-G-C. GRCh37 (hg19) VCF-style: chr11-117282800-G-C.
Other names: c.4299G>C (NM_014956.4); c.4284G>C, p.Ser1428= (NM_001271933.2).
Identifiers: ClinVar variation 2151827 (VCV002151827.5), dbSNP rs522885, ClinGen allele CA476899753.